The following is an entry in ClinVar:

ClinVar aggregate classification (germline): Uncertain significance. Review status: criteria provided, multiple submitters, no conflicts (2 of 4 stars). 2 submissions from 2 submitters: Uncertain significance (2). Last evaluated 2025-12-19.

Allele frequency attached by ClinVar (database versions not stated): 1000 Genomes Project 0.00020; gnomAD 0.00052; TOPMed 0.00060; 1000 Genomes Project 30x 0.00062.
gnomAD v4.1: 126 of 1,609,496 alleles (0.0078%); highest among the groups gnomAD compares: Admixed American, 0.21%; no homozygotes.

Submissions (2):

Labcorp Genetics (formerly Invitae), Labcorp
Classification: Uncertain significance. Last evaluated: 2025-12-19. Review status: criteria provided, single submitter. Criteria: Invitae Variant Classification Sherloc (09022015). Collection method: clinical testing. Allele origin: germline.
Comment: This sequence change replaces leucine, which is neutral and non-polar, with phenylalanine, which is neutral and non-polar, at codon 56 of the SLC25A21 protein (p.Leu56Phe). This variant is present in population databases (rs191845006, gnomAD 0.09%), and has an allele count higher than expected for a pathogenic variant. This variant has not been reported in the literature in individuals affected with SLC25A21-related conditions. ClinVar contains an entry for this variant (Variation ID: 1390943). Invitae Evidence Modeling of protein sequence and biophysical properties (such as structural, functional, and spatial information, amino acid conservation, physicochemical variation, residue mobility, and thermodynamic stability) indicates that this missense variant is not expected to disrupt SLC25A21 protein function with a negative predictive value of 80%. In summary, the available evidence is currently insufficient to determine the role of this variant in disease. Therefore, it has been classified as a Variant of Uncertain Significance.

Ambry Genetics
Classification: Uncertain significance. Last evaluated: 2021-07-09. Review status: criteria provided, single submitter. Criteria: Ambry Variant Classification Scheme 2023. Collection method: clinical testing. Allele origin: germline.

NM_030631.4(SLC25A21):c.168G>C (p.Leu56Phe)

Gene: SLC25A21 (solute carrier family 25 member 21; minus strand). Cytogenetic location: 14q13.3.
Variant type: single nucleotide variant.
Coding change: c.168G>C on transcript NM_030631.4 (MANE Select); coding-DNA position 168, G replaced by C.
Protein change: p.Leu56Phe; replaces leucine 56 with phenylalanine.
Molecular consequence: missense variant.
Genome position (GRCh38, 1-based): chr14:36,813,953, C>G on the plus strand (G>C on the coding strand, the complement: SLC25A21 is on the minus strand). VCF-style: chr14-36813953-C-G. GRCh37 (hg19) VCF-style: chr14-37283158-C-G.
Other names: c.168G>C, p.Leu56Phe (NM_001171170.2); c.168G>C (NM_030631.3); short protein forms L56F.
Identifiers: ClinVar variation 1390943 (VCV001390943.7), dbSNP rs191845006, ClinGen allele CA7159420.